The following is an entry in ClinVar:

NM_005235.3(ERBB4):c.3249C>A (p.Ala1083=)

Gene: ERBB4 (erb-b2 receptor tyrosine kinase 4; minus strand). Cytogenetic location: 2q34.
Variant type: single nucleotide variant.
Coding change: c.3249C>A on transcript NM_005235.3 (MANE Select); coding-DNA position 3249, C replaced by A.
Protein change: p.Ala1083=; no amino-acid change (alanine 1083 retained).
Molecular consequence: synonymous variant.
Genome position (GRCh38, 1-based): chr2:211,387,085, G>T on the plus strand (C>A on the coding strand, the complement: ERBB4 is on the minus strand). VCF-style: chr2-211387085-G-T. GRCh37 (hg19) VCF-style: chr2-212251810-G-T.
Other names: c.3201C>A, p.Ala1067= (NM_001042599.2).
Identifiers: ClinVar variation 3350484 (VCV003350484.1).

ClinVar aggregate classification (germline): Likely benign (0 of 4 stars; one submission).

Conditions:
ERBB4-related disorder. Also called: ERBB4-related condition.

gnomAD v4.1: 26 of 1,613,828 alleles (0.0016%); highest among the groups gnomAD compares: East Asian, 0.027%; no homozygotes.

Submission:

PreventionGenetics, part of Exact Sciences
Classification: Likely benign for ERBB4-related condition. Last evaluated: 2024-08-01. Review status: no assertion criteria provided. Collection method: clinical testing. Allele origin: germline.
Comment: This variant is classified as likely benign based on ACMG/AMP sequence variant interpretation guidelines (Richards et al. 2015 PMID: 25741868, with internal and published modifications).